The following is an entry in ClinVar:

ClinVar aggregate classification (germline): Uncertain significance (1 of 4 stars; one submission).

Submission:

Labcorp Genetics (formerly Invitae), Labcorp
Classification: Uncertain significance. Last evaluated: 2023-09-17. Review status: criteria provided, single submitter. Criteria: Invitae Variant Classification Sherloc (09022015). Collection method: clinical testing. Allele origin: germline.
Comment: In summary, the available evidence is currently insufficient to determine the role of this variant in disease. Therefore, it has been classified as a Variant of Uncertain Significance. This variant has not been reported in the literature in individuals affected with NTHL1-related conditions. This variant results in a copy number gain of the genomic region encompassing exon(s) 1-2 of the NTHL1 gene. This region includes the initiator codon of the gene. This copy number gain extends beyond the assayed region for this gene and therefore may encompass additional genes. As the precise location of this event is unknown, it may be in tandem or it may be located elsewhere in the genome.

NC_000016.9:g.(?_2096119)_(2143097_?)dup

Genes: MIR1225 (microRNA 1225; minus strand), NTHL1 (nth like DNA glycosylase 1; minus strand), PKD1 (polycystin 1, transient receptor potential channel interacting; minus strand), TSC2 (TSC complex subunit 2; plus strand). Cytogenetic location: 16p13.3.
Variant type: Duplication.
Identifiers: ClinVar variation 1410659 (VCV001410659.4).